The following is an entry in ClinVar:

NM_003200.5(TCF3):c.954G>A (p.Leu318=)

Gene: TCF3 (transcription factor 3; minus strand). Cytogenetic location: 19p13.3.
Variant type: single nucleotide variant.
Coding change: c.954G>A on transcript NM_003200.5 (MANE Select); coding-DNA position 954, G replaced by A.
Protein change: p.Leu318=; no amino-acid change (leucine 318 retained).
Molecular consequence: synonymous variant.
Genome position (GRCh38, 1-based): chr19:1,621,839, C>T on the plus strand (G>A on the coding strand, the complement: TCF3 is on the minus strand). VCF-style: chr19-1621839-C-T. GRCh37 (hg19) VCF-style: chr19-1621838-C-T.
Other names: c.954G>A, p.Leu318= (NM_001136139.4, NM_001351778.2, NM_001351779.2).
Identifiers: ClinVar variation 1352065 (VCV001352065.9), dbSNP rs2146120225, ClinGen allele CA504902762.
Genomic context (GRCh38, chr19:1,621,839, plus strand): 5'-GACCCTGCCTGGAGCCCAGTGTCCCCTCGGAGAGGCCGCATCCCAGGGAGGGGCCATACC[C>T]AGGAGGCTGTCGGCCCCGCTGACAGGCGGCGTGTGGCTGGAGACGCCGCCGTACGTGGCT-3'
Protein context (NP_003191.1, residues 308-328): TPPVSGADSL[Leu318=]GSRGTTAGSS

ClinVar aggregate classification (germline): Conflicting classifications of pathogenicity. Review status: criteria provided, conflicting classifications (1 of 4 stars). 2 submissions from 2 submitters: Uncertain significance (1); Likely benign (1). Last evaluated 2025-08-21.

Submissions (2):

Labcorp Genetics (formerly Invitae), Labcorp
Classification: Uncertain significance. Last evaluated: 2025-08-21. Review status: criteria provided, single submitter. Criteria: Invitae Variant Classification Sherloc (09022015). Collection method: clinical testing. Allele origin: germline.
Comment: This sequence change affects codon 318 of the TCF3 mRNA. It is a 'silent' change, meaning that it does not change the encoded amino acid sequence of the TCF3 protein. It affects a nucleotide within the consensus splice site. This variant is not present in population databases (gnomAD no frequency). This variant has not been reported in the literature in individuals affected with TCF3-related conditions. ClinVar contains an entry for this variant (Variation ID: 1352065). Algorithms developed to predict the effect of sequence changes on RNA splicing suggest that this variant is not likely to affect RNA splicing. In summary, the available evidence is currently insufficient to determine the role of this variant in disease. Therefore, it has been classified as a Variant of Uncertain Significance.

Blueprint Genetics
Classification: Likely benign. Last evaluated: 2023-05-05. Review status: criteria provided, single submitter. Criteria: ACMG Guidelines, 2015. Collection method: clinical testing. Allele origin: germline.